The following is an entry in ClinVar:

ClinVar aggregate classification (germline): Uncertain significance. Review status: criteria provided, multiple submitters, no conflicts (2 of 4 stars). 3 submissions from 3 submitters: Uncertain significance (3). Last evaluated 2025-04-02.

Conditions:
Inborn genetic diseases. Identifiers: MedGen C0950123, MeSH D030342.

Allele frequency attached by ClinVar (database versions not stated): gnomAD 0.00003.
gnomAD v4.1: 31 of 1,594,508 alleles (0.0019%); highest among the groups gnomAD compares: Non-Finnish European, 0.0026%; no homozygotes.

Submissions (3):

Ambry Genetics
Classification: Uncertain significance for Inborn genetic diseases. Last evaluated: 2025-04-02. Review status: criteria provided, single submitter. Criteria: Ambry Variant Classification Scheme 2023. Collection method: clinical testing. Allele origin: germline.

Blueprint Genetics
Classification: Uncertain significance. Last evaluated: 2023-01-10. Review status: criteria provided, single submitter. Criteria: ACMG Guidelines, 2015. Collection method: clinical testing. Allele origin: germline.

Labcorp Genetics (formerly Invitae), Labcorp
Classification: Uncertain significance. Last evaluated: 2022-06-11. Review status: criteria provided, single submitter. Criteria: Invitae Variant Classification Sherloc (09022015). Collection method: clinical testing. Allele origin: germline.
Comment: This sequence change replaces alanine, which is neutral and non-polar, with glutamic acid, which is acidic and polar, at codon 726 of the ARHGEF18 protein (p.Ala726Glu). This variant is not present in population databases (gnomAD no frequency). This variant has not been reported in the literature in individuals affected with ARHGEF18-related conditions. Algorithms developed to predict the effect of missense changes on protein structure and function (SIFT, PolyPhen-2, Align-GVGD) all suggest that this variant is likely to be tolerated. In summary, the available evidence is currently insufficient to determine the role of this variant in disease. Therefore, it has been classified as a Variant of Uncertain Significance.

NM_001367823.1(ARHGEF18):c.2741C>A (p.Ala914Glu)

Gene: ARHGEF18 (Rho/Rac guanine nucleotide exchange factor 18; plus strand). Cytogenetic location: 19p13.2.
Variant type: single nucleotide variant.
Coding change: c.2741C>A on transcript NM_001367823.1 (MANE Select); coding-DNA position 2741, C replaced by A.
Protein change: p.Ala914Glu; replaces alanine 914 with glutamic acid.
Molecular consequence: missense variant.
Genome position (GRCh38, 1-based): chr19:7,463,923, C>A. VCF-style: chr19-7463923-C-A. GRCh37 (hg19) VCF-style: chr19-7528809-C-A.
Other names: c.2177C>A (NM_001130955.1); c.2015C>A, p.Ala672Glu (NM_001130955.2); c.1703C>A, p.Ala568Glu (NM_001367824.1, NM_015318.4); short protein forms A568E, A914E, A672E.
Identifiers: ClinVar variation 1481512 (VCV001481512.7), dbSNP rs146065096, ClinGen allele CA403082237.
Genomic context (GRCh38, chr19:7,463,923, plus strand): 5'-ACGGCCAGGCGGAAGACGGAGGCAGCTCCACAGGCCCGCCCAGGAGGGCTGAGACCTTCG[C>A]GGGCTACGACTGCACAAACAGCCCCACCAAGAGTAAGAGCGGGGCCGTCTCCCCTCCTGC-3'
Protein context (NP_001354752.1, residues 904-924): TGPPRRAETF[Ala914Glu]GYDCTNSPTK